The following is an entry in ClinVar:

ClinVar aggregate classification (germline): Uncertain significance. Review status: criteria provided, multiple submitters, no conflicts (2 of 4 stars). 3 submissions from 3 submitters: Uncertain significance (3). Last evaluated 2026-05-28.

Conditions:
Familial X-linked hypophosphatemic vitamin D refractory rickets (XLHRD). Also called: Hypophosphatemic Rickets, X-Linked Dominant; Hypophosphatemia, vitamin D-resistant rickets; Vitamin D-resistant rickets, X-linked; X-Linked Hypophosphatemia; HYPOPHOSPHATEMIC VITAMIN D-RESISTANT RICKETS. Identifiers: Orphanet 89936, MedGen C0733682, MONDO:0010619, OMIM 307800.

gnomAD v4.1: 19 of 1,200,114 alleles (0.0016%); highest among the groups gnomAD compares: Admixed American, 0.015%; no homozygotes.

Submissions (3):

Women's Health and Genetics/Laboratory Corporation of America, LabCorp
Classification: Uncertain significance. Last evaluated: 2026-05-28. Review status: criteria provided, single submitter. Criteria: LabCorp Variant Classification Summary - May 2015. Collection method: clinical testing. Allele origin: germline.
Comment: Variant summary: PHEX c.1382C>T (p.Thr461Met) results in a non-conservative amino acid change in the encoded protein sequence. Algorithms developed to predict the effect of missense changes on protein structure and function all suggest that this variant is likely to be disruptive. The variant allele was found at a frequency of 1.6e-05 in 183087 control chromosomes. The available data on variant occurrences in the general population are insufficient to allow any conclusion about variant significance. c.1382C>T has been observed in at least one male affected with hypophosphatemic rickets (example: Topak_2024). This report does not provide unequivocal conclusions about association of the variant with disease. To our knowledge, no experimental evidence demonstrating an impact on protein function has been reported. The following publication has been ascertained in the context of this evaluation (PMID: 37078890). ClinVar contains an entry for this variant (Variation ID: 3712051). Based on the evidence outlined above, the variant was classified as uncertain significance.

Labcorp Genetics (formerly Invitae), Labcorp
Classification: Uncertain significance. Last evaluated: 2025-01-20. Review status: criteria provided, single submitter. Criteria: Invitae Variant Classification Sherloc (09022015). Collection method: clinical testing. Allele origin: germline.
Comment: This sequence change replaces threonine, which is neutral and polar, with methionine, which is neutral and non-polar, at codon 461 of the PHEX protein (p.Thr461Met). The frequency data for this variant in the population databases is considered unreliable, as metrics indicate poor data quality at this position in the gnomAD database. This variant has not been reported in the literature in individuals affected with PHEX-related conditions. Invitae Evidence Modeling of protein sequence and biophysical properties (such as structural, functional, and spatial information, amino acid conservation, physicochemical variation, residue mobility, and thermodynamic stability) has been performed for this missense variant. However, the output from this modeling did not meet the statistical confidence thresholds required to predict the impact of this variant on PHEX protein function. This variant disrupts the p.Thr461 amino acid residue in PHEX. Other variant(s) that disrupt this residue have been determined to be pathogenic (internal data). This suggests that this residue is clinically significant, and that variants that disrupt this residue are likely to be disease-causing. In summary, the available evidence is currently insufficient to determine the role of this variant in disease. Therefore, it has been classified as a Variant of Uncertain Significance.

Juno Genomics, Hangzhou Juno Genomics, Inc
Classification: Uncertain significance for Familial X-linked hypophosphatemic vitamin D refractory rickets. Review status: criteria provided, single submitter. Criteria: ACMG Guidelines, 2015. Collection method: clinical testing. Allele origin: germline.
Comment: Absent from controls (or at extremely low frequency if recessive) in Genome Aggregation Database.;Multiple lines of computational evidence support a deleterious effect on the gene or gene product.

Literature cited by the submitters: PubMed 37078890 (cited by Women's Health and Genetics/Laboratory Corporation of America, LabCorp).

NM_000444.6(PHEX):c.1382C>T (p.Thr461Met)

Gene: PHEX (phosphate regulating endopeptidase X-linked; plus strand). Cytogenetic location: Xp22.11.
Variant type: single nucleotide variant.
Coding change: c.1382C>T on transcript NM_000444.6 (MANE Select); coding-DNA position 1382, C replaced by T.
Protein change: p.Thr461Met; replaces threonine 461 with methionine.
Molecular consequence: missense variant.
Genome position (GRCh38, 1-based): chrX:22,133,602, C>T. VCF-style: chrX-22133602-C-T. GRCh37 (hg19) VCF-style: chrX-22151719-C-T.
Other names: c.1382C>T, p.Thr461Met (NM_001282754.2); short protein forms T461M.
Identifiers: ClinVar variation 3712051 (VCV003712051.4).